The following is an entry in ClinVar:

NM_001024630.4(RUNX2):c.1159T>C (p.Phe387Leu)

Gene: RUNX2 (RUNX family transcription factor 2; plus strand). Cytogenetic location: 6p21.1.
Variant type: single nucleotide variant.
Coding change: c.1159T>C on transcript NM_001024630.4 (MANE Select); coding-DNA position 1159, T replaced by C.
Protein change: p.Phe387Leu; replaces phenylalanine 387 with leucine.
Molecular consequence: missense variant.
Genome position (GRCh38, 1-based): chr6:45,546,898, T>C. VCF-style: chr6-45546898-T-C. GRCh37 (hg19) VCF-style: chr6-45514635-T-C.
Other names: c.1093T>C, p.Phe365Leu (NM_001015051.4); c.1051T>C, p.Phe351Leu (NM_001278478.2); c.1117T>C, p.Phe373Leu (NM_001369405.1); short protein forms F373L, F387L, F351L, F365L.
Identifiers: ClinVar variation 3625191 (VCV003625191.2).
Genomic context (GRCh38, chr6:45,546,898, plus strand): 5'-CTGGGCCCTTTTTCAGACCCCAGGCAGTTCCCAAGCATTTCATCCCTCACTGAGAGCCGC[T>C]TCTCCAACCCACGAATGCACTATCCAGCCACCTTTACTTACACCCCGCCAGTCACCTCAG-3'
Protein context (NP_001019801.3, residues 377-397): PSISSLTESR[Phe387Leu]SNPRMHYPAT

ClinVar aggregate classification (germline): Uncertain significance (1 of 4 stars; one submission).

gnomAD v4.1: 3 of 1,614,028 alleles (0.00019%); highest among the groups gnomAD compares: Non-Finnish European, 0.00025%; no homozygotes.

Submission:

Labcorp Genetics (formerly Invitae), Labcorp
Classification: Uncertain significance. Last evaluated: 2024-04-03. Review status: criteria provided, single submitter. Criteria: Invitae Variant Classification Sherloc (09022015). Collection method: clinical testing. Allele origin: germline.
Comment: This sequence change replaces phenylalanine, which is neutral and non-polar, with leucine, which is neutral and non-polar, at codon 387 of the RUNX2 protein (p.Phe387Leu). This variant is not present in population databases (gnomAD no frequency). This variant has not been reported in the literature in individuals affected with RUNX2-related conditions. An algorithm developed to predict the effect of missense changes on protein structure and function (PolyPhen-2) suggests that this variant is likely to be disruptive. In summary, the available evidence is currently insufficient to determine the role of this variant in disease. Therefore, it has been classified as a Variant of Uncertain Significance.